The following is an entry in ClinVar:

ClinVar aggregate classification (germline): Uncertain significance (1 of 4 stars; one submission).

Allele frequency attached by ClinVar (database versions not stated): gnomAD exomes below 0.00001.
gnomAD v4.1: 1 of 1,613,964 alleles (0.000062%); highest among the groups gnomAD compares: South Asian, 0.0011%; no homozygotes.

Submission:

Labcorp Genetics (formerly Invitae), Labcorp
Classification: Uncertain significance. Last evaluated: 2022-08-09. Review status: criteria provided, single submitter. Criteria: Invitae Variant Classification Sherloc (09022015). Collection method: clinical testing. Allele origin: germline.
Comment: Algorithms developed to predict the effect of missense changes on protein structure and function (SIFT, PolyPhen-2, Align-GVGD) all suggest that this variant is likely to be tolerated. ClinVar contains an entry for this variant (Variation ID: 1428211). This variant has not been reported in the literature in individuals affected with SLC24A1-related conditions. This variant is not present in population databases (gnomAD no frequency). This sequence change replaces threonine, which is neutral and polar, with arginine, which is basic and polar, at codon 373 of the SLC24A1 protein (p.Thr373Arg). In summary, the available evidence is currently insufficient to determine the role of this variant in disease. Therefore, it has been classified as a Variant of Uncertain Significance.

NM_004727.3(SLC24A1):c.1118C>G (p.Thr373Arg)

Gene: SLC24A1 (solute carrier family 24 member 1; plus strand). Cytogenetic location: 15q22.31.
Variant type: single nucleotide variant.
Coding change: c.1118C>G on transcript NM_004727.3 (MANE Select); coding-DNA position 1118, C replaced by G.
Protein change: p.Thr373Arg; replaces threonine 373 with arginine.
Molecular consequence: missense variant.
Genome position (GRCh38, 1-based): chr15:65,625,198, C>G. VCF-style: chr15-65625198-C-G. GRCh37 (hg19) VCF-style: chr15-65917536-C-G.
Other names: c.1118C>G, p.Thr373Arg (NM_001301031.1, NM_001301032.1, NM_001301033.2); short protein forms T373R.
Identifiers: ClinVar variation 1428211 (VCV001428211.6), dbSNP rs2141466992, ClinGen allele CA392916799.